The following is an entry in ClinVar:

ClinVar aggregate classification (germline): Uncertain significance (1 of 4 stars; one submission).

Conditions:
Cystic fibrosis (CF). Also called: MUCOVISCIDOSIS. Identifiers: Orphanet 586, MedGen C0010674, MONDO:0009061, OMIM 219700. Disease mechanism: loss of function.

gnomAD v4.1: 17 of 1,613,924 alleles (0.0011%); highest among the groups gnomAD compares: African/African-American, 0.0027%; no homozygotes.

Submission:

3billion
Classification: Uncertain significance for Cystic fibrosis. Last evaluated: 2023-10-26. Review status: criteria provided, single submitter. Criteria: ACMG Guidelines, 2015. Collection method: clinical testing. Allele origin: germline. Affected: yes.
Comment: The variant is observed at an extremely low frequency in the gnomAD v2.1.1 dataset (total allele frequency: 0.001%). Predicted Consequence/Location: Missense variant In silico tool predictions suggest damaging effect of the variant on gene or gene product [REVEL: 0.90 (>=0.6, sensitivity 0.68 and specificity 0.92)]. A different missense change at the same codon (p.Gln1352His) has been reported to be associated with CFTR related disorder (ClinVar ID: VCV000035882 /PMID: 16187186). Therefore, this variant is classified as VUS according to the recommendation of ACMG/AMP guideline.

Literature cited by the submitters: PubMed 16187186.

NM_000492.4(CFTR):c.4054C>G (p.Gln1352Glu)

Gene: CFTR (CF transmembrane conductance regulator; plus strand). Cytogenetic location: 7q31.2.
Variant type: single nucleotide variant.
Coding change: c.4054C>G on transcript NM_000492.4 (MANE Select); coding-DNA position 4054, C replaced by G.
Protein change: p.Gln1352Glu; replaces glutamine 1352 with glutamic acid.
Molecular consequence: missense variant.
Genome position (GRCh38, 1-based): chr7:117,664,778, C>G. VCF-style: chr7-117664778-C-G. GRCh37 (hg19) VCF-style: chr7-117304832-C-G.
Other names: short protein forms Q1352E.
Identifiers: ClinVar variation 3775693 (VCV003775693.1).